The following is an entry in ClinVar:

NM_006306.4(SMC1A):c.2645C>T (p.Ser882Leu)

Gene: SMC1A (structural maintenance of chromosomes 1A; minus strand). Cytogenetic location: Xp11.22.
Variant type: single nucleotide variant.
Coding change: c.2645C>T on transcript NM_006306.4 (MANE Select); coding-DNA position 2645, C replaced by T.
Protein change: p.Ser882Leu; replaces serine 882 with leucine.
Molecular consequence: missense variant.
Genome position (GRCh38, 1-based): chrX:53,396,535, G>A on the plus strand (C>T on the coding strand, the complement: SMC1A is on the minus strand). VCF-style: chrX-53396535-G-A. GRCh37 (hg19) VCF-style: chrX-53423455-G-A.
Other names: c.2579C>T, p.Ser860Leu (NM_001281463.1); short protein forms S882L, S860L.
Identifiers: ClinVar variation 954803 (VCV000954803.6), dbSNP rs376589639, ClinGen allele CA10420409.

ClinVar aggregate classification (germline): Uncertain significance (1 of 4 stars; one submission).

Conditions:
Congenital muscular hypertrophy-cerebral syndrome (CDLS2). Also called: Cornelia de Lange syndrome 2; SMC1A-Related Cornelia de Lange Syndrome. Identifiers: Orphanet 199, MedGen C1802395, MONDO:0010370, OMIM 300590.

Allele frequency attached by ClinVar (database versions not stated): ExAC 0.00001; gnomAD exomes 0.00001 and 0.00002; TOPMed 0.00001; ESP Exome Variant Server 0.00009.
gnomAD v4.1: 9 of 1,210,105 alleles (0.00074%); highest among the groups gnomAD compares: African/African-American, 0.0052%; no homozygotes.

Submission:

Labcorp Genetics (formerly Invitae), Labcorp
Classification: Uncertain significance for Congenital muscular hypertrophy-cerebral syndrome. Last evaluated: 2024-06-09. Review status: criteria provided, single submitter. Criteria: Invitae Variant Classification Sherloc (09022015). Collection method: clinical testing. Allele origin: germline.
Comment: This sequence change replaces serine, which is neutral and polar, with leucine, which is neutral and non-polar, at codon 882 of the SMC1A protein (p.Ser882Leu). This variant is present in population databases (rs376589639, gnomAD 0.02%). This variant has not been reported in the literature in individuals affected with SMC1A-related conditions. ClinVar contains an entry for this variant (Variation ID: 954803). Advanced modeling of protein sequence and biophysical properties (such as structural, functional, and spatial information, amino acid conservation, physicochemical variation, residue mobility, and thermodynamic stability) performed at Invitae indicates that this missense variant is not expected to disrupt SMC1A protein function with a negative predictive value of 80%. In summary, the available evidence is currently insufficient to determine the role of this variant in disease. Therefore, it has been classified as a Variant of Uncertain Significance.